The following is an entry in ClinVar:

ClinVar aggregate classification (germline): Benign/Likely benign. Review status: criteria provided, multiple submitters, no conflicts (2 of 4 stars). 3 submissions from 3 submitters: Benign (1); Likely benign (2). Last evaluated 2021-05-21.

Conditions:
Ehlers-Danlos syndrome, classic type, 2 (EDSCL2). Also called: Ehlers-Danlos syndrome, type 2; Ehlers-Danlos syndrome type 2 (formerly); Ehlers-Danlos Syndrome, Classic Type, COL5A2-Related. Identifiers: Orphanet 287, Orphanet 90318, MedGen C0268336, MONDO:0019568, OMIM 130010.

Allele frequency attached by ClinVar (database versions not stated): gnomAD 0.00479 and 0.00564; 1000 Genomes Project 30x 0.01093; TOPMed 0.00538; 1000 Genomes Project 0.01178.

Submissions (3):

GeneDx
Classification: Likely benign. Last evaluated: 2021-05-21. Review status: criteria provided, single submitter. Criteria: GeneDx Variant Classification Process June 2021. Collection method: clinical testing. Allele origin: germline. Affected: yes.

Illumina Laboratory Services, Illumina
Classification: Benign for Ehlers-Danlos syndrome, classic type, 2. Last evaluated: 2018-01-13. Review status: criteria provided, single submitter. Criteria: ICSL Variant Classification Criteria 13 December 2019. Collection method: clinical testing. Allele origin: germline.
Comment: This variant was observed in the ICSL laboratory as part of a predisposition screen in an ostensibly healthy population. It had not been previously curated by ICSL or reported in the Human Gene Mutation Database (HGMD: prior to June 1st, 2018), and was therefore a candidate for classification through an automated scoring system. Utilizing variant allele frequency, disease prevalence and penetrance estimates, and inheritance mode, an automated score was calculated to assess if this variant is too frequent to cause the disease. Based on the score and internal cut-off values, a variant classified as benign is not then subjected to further curation. The score for this variant resulted in a classification of benign for this disease.

Breakthrough Genomics
Classification: Likely benign. Review status: criteria provided, single submitter. Criteria: ACMG Guidelines, 2015. Collection method: not provided. Allele origin: germline. Inheritance: Autosomal dominant inheritance. Affected: yes.

NM_000393.5(COL5A2):c.*1852T>C

Gene: COL5A2 (collagen type V alpha 2 chain; minus strand). Cytogenetic location: 2q32.2.
Variant type: single nucleotide variant.
Coding change: c.*1852T>C on transcript NM_000393.5 (MANE Select); 1852 bases downstream of the stop codon, T replaced by C.
Molecular consequence: 3 prime UTR variant.
Genome position (GRCh38, 1-based): chr2:189,032,218, A>G on the plus strand (T>C on the coding strand, the complement: COL5A2 is on the minus strand). VCF-style: chr2-189032218-A-G. GRCh37 (hg19) VCF-style: chr2-189896944-A-G.
Identifiers: ClinVar variation 333100 (VCV000333100.8), dbSNP rs116255986, ClinGen allele CA10613486.